The following is an entry in ClinVar:

ClinVar aggregate classification (germline): Likely pathogenic (1 of 4 stars; one submission).

Conditions:
Neuropathy, hereditary sensory and autonomic, type 2A (HSAN2A). Also called: ACROOSTEOLYSIS, GIACCAI TYPE; ACROOSTEOLYSIS, NEUROGENIC; MORVAN DISEASE; NEUROPATHY, CONGENITAL SENSORY; NEUROPATHY, HEREDITARY SENSORY RADICULAR, AUTOSOMAL RECESSIVE; NEUROPATHY, HEREDITARY SENSORY, TYPE IIA. Identifiers: Orphanet 970, MedGen C2752089, MONDO:0024309, OMIM 201300.
Generalized epilepsy with febrile seizures plus, type 7 (GEFSP7). Also called: GEFS+, TYPE 7. Identifiers: Orphanet 36387, MedGen C2751778, MONDO:0013470, OMIM 613863.

Allele frequency attached by ClinVar (database versions not stated): gnomAD exomes below 0.00001.

Submission:

Labcorp Genetics (formerly Invitae), Labcorp
Classification: Likely pathogenic for Neuropathy, hereditary sensory and autonomic, type 2A; Generalized epilepsy with febrile seizures plus, type 7. Last evaluated: 2022-10-31. Review status: criteria provided, single submitter. Criteria: Invitae Variant Classification Sherloc (09022015). Collection method: clinical testing. Allele origin: germline.
Comment: This sequence change affects an acceptor splice site in intron 4 of the SCN9A gene. It is expected to disrupt RNA splicing. Variants that disrupt the donor or acceptor splice site typically lead to a loss of protein function (PMID: 16199547), and loss-of-function variants in SCN9A are known to be pathogenic (PMID: 17470132, 19304393). This variant is not present in population databases (gnomAD no frequency). This variant has not been reported in the literature in individuals affected with SCN9A-related conditions. Algorithms developed to predict the effect of sequence changes on RNA splicing suggest that this variant may disrupt the consensus splice site. In summary, the currently available evidence indicates that the variant is pathogenic, but additional data are needed to prove that conclusively. Therefore, this variant has been classified as Likely Pathogenic.

Literature cited by the submitters: PubMed 16199547; PubMed 17470132; PubMed 19304393.

NM_001365536.1(SCN9A):c.468-1G>T

Gene: SCN9A (sodium voltage-gated channel alpha subunit 9; minus strand). Cytogenetic location: 2q24.3.
Variant type: single nucleotide variant.
Coding change: c.468-1G>T on transcript NM_001365536.1 (MANE Select); the canonical splice acceptor site of the intron before coding-DNA position 468, G replaced by T.
Molecular consequence: splice acceptor variant.
Genome position (GRCh38, 1-based): chr2:166,305,921, C>A on the plus strand (G>T on the coding strand, the complement: SCN9A is on the minus strand). VCF-style: chr2-166305921-C-A. GRCh37 (hg19) VCF-style: chr2-167162431-C-A.
Other names: c.468-1G>T (NM_002977.4).
Identifiers: ClinVar variation 2941153 (VCV002941153.3), dbSNP rs199828294, ClinGen allele CA349095286.